The following is an entry in ClinVar:

ClinVar aggregate classification (germline): Uncertain significance. Review status: criteria provided, multiple submitters, no conflicts (2 of 4 stars). 2 submissions from 2 submitters: Uncertain significance (2). Last evaluated 2025-03-21.

Conditions:
Inborn genetic diseases. Identifiers: MedGen C0950123, MeSH D030342.

Allele frequency attached by ClinVar (database versions not stated): gnomAD exomes 0.00001.
gnomAD v4.1: 8 of 1,610,470 alleles (0.0005%); highest among the groups gnomAD compares: African/African-American, 0.0053%; no homozygotes.

Submissions (2):

Ambry Genetics
Classification: Uncertain significance for Inborn genetic diseases. Last evaluated: 2025-03-21. Review status: criteria provided, single submitter. Criteria: Ambry Variant Classification Scheme 2023. Collection method: clinical testing. Allele origin: germline.

CeGaT Center for Human Genetics Tuebingen
Classification: Uncertain significance. Last evaluated: 2023-08-01. Review status: criteria provided, single submitter. Criteria: CeGaT Center For Human Genetics Tuebingen Variant Classification Criteria Version 2. Collection method: clinical testing. Allele origin: germline. Affected: yes. Observed: 1 variant allele.
Comment: PKD1: PM2, BP4

NM_001009944.3(PKD1):c.5008A>G (p.Arg1670Gly)

Gene: PKD1 (polycystin 1, transient receptor potential channel interacting; minus strand). Cytogenetic location: 16p13.3.
Variant type: single nucleotide variant.
Coding change: c.5008A>G on transcript NM_001009944.3 (MANE Select); coding-DNA position 5008, A replaced by G.
Protein change: p.Arg1670Gly; replaces arginine 1670 with glycine.
Molecular consequence: missense variant.
Genome position (GRCh38, 1-based): chr16:2,110,159, T>C on the plus strand (A>G on the coding strand, the complement: PKD1 is on the minus strand). VCF-style: chr16-2110159-T-C. GRCh37 (hg19) VCF-style: chr16-2160160-T-C.
Other names: c.5008A>G, p.Arg1670Gly (NM_000296.4); c.5008A>G (NM_000296.3); short protein forms R1670G.
Identifiers: ClinVar variation 2646017 (VCV002646017.24), dbSNP rs1275257576, ClinGen allele CA394378546.